The following is an entry in ClinVar:

ClinVar aggregate classification (germline): Conflicting classifications of pathogenicity. Review status: criteria provided, conflicting classifications (1 of 4 stars). 3 submissions from 3 submitters: Likely pathogenic (1); Uncertain significance (2). Last evaluated 2025-01-01.

Conditions:
Epidermolysis bullosa, junctional 3A, intermediate. Also called: EPIDERMOLYSIS BULLOSA, JUNCTIONAL 3A, GENERALIZED INTERMEDIATE; EPIDERMOLYSIS BULLOSA, JUNCTIONAL 3A, NON-HERLITZ TYPE. Identifiers: MedGen C5676938, MONDO:0030748, OMIM 619785.

gnomAD v4.1: 8 of 1,595,374 alleles (0.0005%); highest among the groups gnomAD compares: Non-Finnish European, 0.00069%; no homozygotes.

Submissions (3):

CeGaT Center for Human Genetics Tuebingen
Classification: Uncertain significance. Last evaluated: 2025-01-01. Review status: criteria provided, single submitter. Criteria: CeGaT Center For Human Genetics Tuebingen Variant Classification Criteria Version 2. Collection method: clinical testing. Allele origin: germline. Affected: yes. Observed: 1 variant allele.
Comment: LAMC2: PM2, PM3, PP4, BP1

Pediatrics, Sichuan Provincial Hospital For Women And Children
Classification: Likely pathogenic for Epidermolysis bullosa, junctional 3A, intermediate. Last evaluated: 2022-02-08. Review status: criteria provided, single submitter. Criteria: ACMG Guidelines, 2015. Collection method: clinical testing. Allele origin: paternal. Inheritance: Autosomal recessive inheritance. Affected: yes. Observed: 1 variant allele, 1 compound heterozygote.
Comment: The c.2869G>A variant in LAMC2 has been reported in one Chinese family with junctional epidermolysis bullosa (intermediate) (Chen, 2025). In vitro functional studies showed that the c.2869G>A mutation produces two aberrant splicing products: 1) complete skipping of exon 19, and 2) a 54-bp deletion at the right side of exon 19 (product c). In summary, the c.2869G>A variant meets our criteria for pathogenicity based on segregation analysis and functional evidence. ACMG: PM2+PP3+PP4+PS3_Moderate

Blueprint Genetics
Classification: Uncertain significance. Last evaluated: 2022-01-28. Review status: criteria provided, single submitter. Criteria: ACMG Guidelines, 2015. Collection method: clinical testing. Allele origin: germline.

Literature cited by the submitters: PubMed 11802722 (cited by Pediatrics, Sichuan Provincial Hospital For Women And Children).

NM_005562.3(LAMC2):c.2869G>A (p.Glu957Lys)

Gene: LAMC2 (laminin subunit gamma 2; plus strand). Cytogenetic location: 1q25.3.
Variant type: single nucleotide variant.
Coding change: c.2869G>A on transcript NM_005562.3 (MANE Select); coding-DNA position 2869, G replaced by A.
Protein change: p.Glu957Lys; replaces glutamic acid 957 with lysine.
Molecular consequence: missense variant.
Genome position (GRCh38, 1-based): chr1:183,238,421, G>A. VCF-style: chr1-183238421-G-A. GRCh37 (hg19) VCF-style: chr1-183207556-G-A.
Other names: c.2869G>A, p.Glu957Lys (NM_018891.3); short protein forms E957K.
Identifiers: ClinVar variation 3771865 (VCV003771865.14).
Genomic context (GRCh38, chr1:183,238,421, plus strand): 5'-GCACTGAGTATGGGCAATGCCACTTTTTATGAAGTTGAGAGCATCCTTAAAAACCTCAGA[G>A]GTTAGTACTTCATGGTTCAGGTCACTTGAGTATTTTAAGTGTATAGTCATGACCAATTTC-3'
Protein context (NP_005553.2, residues 947-967): EVESILKNLR[Glu957Lys]FDLQVDNRKA